The following is an entry in ClinVar:

NM_144773.4(PROKR2):c.525C>G (p.Ala175=)

Gene: PROKR2 (prokineticin receptor 2; minus strand). Cytogenetic location: 20p12.3.
Variant type: single nucleotide variant.
Coding change: c.525C>G on transcript NM_144773.4 (MANE Select); coding-DNA position 525, C replaced by G.
Protein change: p.Ala175=; no amino-acid change (alanine 175 retained).
Molecular consequence: synonymous variant.
Genome position (GRCh38, 1-based): chr20:5,302,670, G>C on the plus strand (C>G on the coding strand, the complement: PROKR2 is on the minus strand). VCF-style: chr20-5302670-G-C. GRCh37 (hg19) VCF-style: chr20-5283316-G-C.
Other names: p.A175A:GCC>GCG.
Identifiers: ClinVar variation 138812 (VCV000138812.19), dbSNP rs3746683, ClinGen allele CA292917.

ClinVar aggregate classification (germline): Benign. Review status: criteria provided, multiple submitters, no conflicts (2 of 4 stars). 9 submissions from 9 submitters: Benign (7). 2 of the submissions do not count toward it. Last evaluated 2026-05-08.

Conditions:
Hypogonadotropic hypogonadism 3 with or without anosmia (HH3). Also called: PROKR2-Related GnRH Deficiency (Kallmann Syndrome 3); HYPOGONADOTROPIC HYPOGONADISM 3 WITH ANOSMIA. Identifiers: Orphanet 478, MedGen C3550478, MONDO:0009482, OMIM 244200.

Allele frequency attached by ClinVar (database versions not stated): TOPMed 0.10937; gnomAD 0.11848; ESP Exome Variant Server 0.11871; 1000 Genomes Project 30x 0.09744; 1000 Genomes Project 0.09844.
gnomAD v4.1: 190,877 of 1,614,038 alleles (12%); highest among the groups gnomAD compares: South Asian, 13%; 11,930 homozygotes.

Submissions (9):

Women's Health and Genetics/Laboratory Corporation of America, LabCorp
Classification: Benign. Last evaluated: 2026-05-08. Review status: criteria provided, single submitter. Criteria: LabCorp Variant Classification Summary - May 2015. Collection method: clinical testing. Allele origin: germline.

Labcorp Genetics (formerly Invitae), Labcorp
Classification: Benign. Last evaluated: 2026-02-02. Review status: criteria provided, single submitter. Criteria: Invitae Variant Classification Sherloc (09022015). Collection method: clinical testing. Allele origin: germline.

Blueprint Genetics
Classification: Benign. Last evaluated: 2024-11-28. Review status: criteria provided, single submitter. Criteria: ACMG Guidelines, 2015. Collection method: clinical testing. Allele origin: germline.

Illumina Laboratory Services, Illumina
Classification: Benign for Hypogonadotropic hypogonadism 3 with or without anosmia. Last evaluated: 2018-01-12. Review status: criteria provided, single submitter. Criteria: ICSL Variant Classification Criteria 13 December 2019. Collection method: clinical testing. Allele origin: germline.
Comment: This variant was observed in the ICSL laboratory as part of a predisposition screen in an ostensibly healthy population. It had not been previously curated by ICSL or reported in the Human Gene Mutation Database (HGMD: prior to June 1st, 2018), and was therefore a candidate for classification through an automated scoring system. Utilizing variant allele frequency, disease prevalence and penetrance estimates, and inheritance mode, an automated score was calculated to assess if this variant is too frequent to cause the disease. Based on the score and internal cut-off values, a variant classified as benign is not then subjected to further curation. The score for this variant resulted in a classification of benign for this disease.

Athena Diagnostics
Classification: Benign for Hypogonadotropic hypogonadism 3 with or without anosmia. Last evaluated: 2017-06-27. Review status: criteria provided, single submitter. Criteria: Athena Diagnostics Criteria. Collection method: clinical testing. Allele origin: germline.

GeneDx
Classification: Benign. Last evaluated: 2013-12-06. Review status: criteria provided, single submitter. Criteria: GeneDx Variant Classification (06012015). Collection method: clinical testing. Allele origin: germline. Affected: yes.
Comment: This variant is considered likely benign or benign based on one or more of the following criteria: it is a conservative change, it occurs at a poorly conserved position in the protein, it is predicted to be benign by multiple in silico algorithms, and/or has population frequency not consistent with disease.

Breakthrough Genomics
Classification: Benign. Review status: criteria provided, single submitter. Criteria: ACMG Guidelines, 2015. Collection method: not provided. Allele origin: germline. Inheritance: Autosomal dominant inheritance. Affected: yes.

Clinical Genetics, Academic Medical Center
Classification: Benign. Review status: no assertion criteria provided. Collection method: clinical testing. Allele origin: germline. Affected: yes. Study: VKGL Data-share Consensus. Not counted in ClinVar's aggregate classification.

Joint Genome Diagnostic Labs from Nijmegen and Maastricht, Radboudumc and MUMC+
Classification: Benign. Review status: no assertion criteria provided. Collection method: clinical testing. Allele origin: germline. Affected: yes. Study: VKGL Data-share Consensus. Not counted in ClinVar's aggregate classification.